The following is an entry in ClinVar:

NM_001039141.3(TRIOBP):c.3652A>T (p.Ile1218Phe)

Gene: TRIOBP (TRIO and F-actin binding protein; plus strand). Cytogenetic location: 22q13.1.
Variant type: single nucleotide variant.
Coding change: c.3652A>T on transcript NM_001039141.3 (MANE Select); coding-DNA position 3652, A replaced by T.
Protein change: p.Ile1218Phe; replaces isoleucine 1218 with phenylalanine.
Molecular consequence: missense variant.
Genome position (GRCh38, 1-based): chr22:37,726,208, A>T. VCF-style: chr22-37726208-A-T. GRCh37 (hg19) VCF-style: chr22-38122215-A-T.
Other names: c.3652A>T (NM_001039141.2); short protein forms I1218F.
Identifiers: ClinVar variation 1520367 (VCV001520367.5), dbSNP rs374934894, ClinGen allele CA10224171.

ClinVar aggregate classification (germline): Uncertain significance. Review status: criteria provided, multiple submitters, no conflicts (2 of 4 stars). 3 submissions from 3 submitters: Uncertain significance (3). Last evaluated 2023-11-28.

Submissions (3):

GeneDx
Classification: Uncertain significance. Last evaluated: 2023-11-28. Review status: criteria provided, single submitter. Criteria: GeneDx Variant Classification Process June 2021. Collection method: clinical testing. Allele origin: germline. Affected: yes.
Comment: In silico analysis supports that this missense variant does not alter protein structure/function; Has not been previously published as pathogenic or benign to our knowledge

Labcorp Genetics (formerly Invitae), Labcorp
Classification: Uncertain significance. Last evaluated: 2022-07-05. Review status: criteria provided, single submitter. Criteria: Invitae Variant Classification Sherloc (09022015). Collection method: clinical testing. Allele origin: germline.
Comment: This sequence change replaces isoleucine, which is neutral and non-polar, with phenylalanine, which is neutral and non-polar, at codon 1218 of the TRIOBP protein (p.Ile1218Phe). This variant is present in population databases (rs374934894, gnomAD 0.02%). This variant has not been reported in the literature in individuals affected with TRIOBP-related conditions. ClinVar contains an entry for this variant (Variation ID: 1520367). Algorithms developed to predict the effect of missense changes on protein structure and function are either unavailable or do not agree on the potential impact of this missense change (SIFT: "Deleterious"; PolyPhen-2: "Probably Damaging"; Align-GVGD: "Class C0"). In summary, the available evidence is currently insufficient to determine the role of this variant in disease. Therefore, it has been classified as a Variant of Uncertain Significance.

Breakthrough Genomics
Classification: Uncertain significance. Review status: criteria provided, single submitter. Criteria: ACMG Guidelines, 2015. Collection method: not provided. Allele origin: germline. Inheritance: Autosomal dominant inheritance. Affected: yes.